The following is an entry in ClinVar:

ClinVar aggregate classification (germline): Uncertain significance (1 of 4 stars; one submission).

Submission:

GeneDx
Classification: Uncertain significance. Last evaluated: 2019-03-14. Review status: criteria provided, single submitter. Criteria: GeneDx Variant Classification Process June 2021. Collection method: clinical testing. Allele origin: germline. Affected: yes.
Comment: Not observed in large population cohorts (Lek et al., 2016); Has not been previously published as pathogenic or benign to our knowledge; In-silico analysis, which includes splice predictors and evolutionary conservation, is inconclusive as to whether the variant alters gene splicing. In the absence of RNA/functional studies, the actual effect of this sequence change is unknown.

NM_015100.4(POGZ):c.1079-13_1079-4del

Gene: POGZ (pogo transposable element derived with ZNF domain; minus strand). Cytogenetic location: 1q21.3.
Variant type: Deletion.
Coding change: c.1079-13_1079-4del on transcript NM_015100.4 (MANE Select); 13 bases into the intron before coding-DNA position 1079 through 4 bases into the intron before coding-DNA position 1079, 10 bases deleted (TCACTTCTTT; older notation c.1079-13_1079-4delTCACTTCTTT).
Molecular consequence: intron variant.
Genome position (GRCh38, 1-based): chr1:151,425,065-151,425,074, AAAGAAGTGA deleted on the plus strand (TCACTTCTTT on the coding strand, the reverse complement: POGZ is on the minus strand). VCF-style (leftmost placement, unchanged base first): chr1-151425064-GAAAGAAGTGA-G. GRCh37 (hg19) VCF-style: chr1-151397540-GAAAGAAGTGA-G.
Other names: c.893-13_893-4del (NM_001194938.2); c.794-13_794-4del (NM_145796.4); c.1052-13_1052-4del (NM_001194937.2); c.920-13_920-4del (NM_207171.2).
Identifiers: ClinVar variation 1303996 (VCV001303996.2), dbSNP rs2102278297, ClinGen allele CA2573051364.
Genomic context (GRCh38, chr1:151,425,064, plus strand): 5'-CGTGGACATATTTTCCGTCCACCATCCTGGAGGTCAAATACTGGGATGGAAGAGGTCACT[GAAAGAAGTGA>G]GAAGAATTGATAAGATTAATACAATGACACTGGAAAAAGATTACTGACCTTTTGGGAAAA-3'